The following is an entry in ClinVar:

ClinVar aggregate classification (germline): Uncertain significance. Review status: criteria provided, multiple submitters, no conflicts (2 of 4 stars). 4 submissions from 4 submitters: Uncertain significance (4). Last evaluated 2025-08-05.

Conditions:
Familial adenomatous polyposis 1 (FAP1). Also called: POLYPOSIS, ADENOMATOUS INTESTINAL; FAMILIAL ADENOMATOUS POLYPOSIS 1, ATTENUATED. Identifiers: MedGen C2713442, MONDO:0021056, OMIM 175100. Disease mechanism: loss of function.
Classic or attenuated familial adenomatous polyposis. Identifiers: MedGen CN372698, MONDO:0021057.
Hereditary cancer-predisposing syndrome. Also called: Neoplastic Syndromes, Hereditary; Hereditary Cancer Syndrome; Tumor predisposition; Hereditary neoplastic syndrome. Identifiers: Orphanet 140162, MedGen C0027672, MeSH D009386, MONDO:0015356.

Allele frequency attached by ClinVar (database versions not stated): gnomAD exomes below 0.00001.
gnomAD v4.1: 1 of 1,614,194 alleles (0.000062%); highest among the groups gnomAD compares: Admixed American, 0.0017%; no homozygotes.

Submissions (4):

Color Diagnostics, LLC DBA Color Health
Classification: Uncertain significance for Hereditary cancer-predisposing syndrome. Last evaluated: 2025-08-05. Review status: criteria provided, single submitter. Criteria: ACMG Guidelines, 2015. Collection method: clinical testing. Allele origin: germline.
Comment: This missense variant replaces arginine with glycine at codon 850 of the APC protein. Computational prediction suggests that this variant may not impact protein structure and function. To our knowledge, functional studies have not been reported for this variant. This variant has not been reported in individuals affected with hereditary cancer in the literature. This variant has been identified in 1/251160 chromosomes in the general population by the Genome Aggregation Database (gnomAD). The available evidence is insufficient to determine the role of this variant in disease conclusively. Therefore, this variant is classified as a Variant of Uncertain Significance.

Ambry Genetics
Classification: Uncertain significance for Hereditary cancer-predisposing syndrome. Last evaluated: 2025-07-11. Review status: criteria provided, single submitter. Criteria: Ambry Variant Classification Scheme 2023. Collection method: clinical testing. Allele origin: germline.
Comment: The p.R850G variant (also known as c.2548A>G), located in coding exon 15 of the APC gene, results from an A to G substitution at nucleotide position 2548. The arginine at codon 850 is replaced by glycine, an amino acid with dissimilar properties. This amino acid position is well conserved in available vertebrate species. In addition, in silico predictors for this gene do not accurately predict pathogenicity. Missense alterations in APC are not a common cause of disease (Spier I et al. Genet Med. 2024 Feb;26(2):100992). Based on the available evidence, the clinical significance of this variant remains unclear.

Labcorp Genetics (formerly Invitae), Labcorp
Classification: Uncertain significance for Familial adenomatous polyposis 1. Last evaluated: 2025-05-19. Review status: criteria provided, single submitter. Criteria: Invitae Variant Classification Sherloc (09022015). Collection method: clinical testing. Allele origin: germline.
Comment: This sequence change replaces arginine, which is basic and polar, with glycine, which is neutral and non-polar, at codon 850 of the APC protein (p.Arg850Gly). This variant is present in population databases (no rsID available, gnomAD 0.003%). This variant has not been reported in the literature in individuals affected with APC-related conditions. ClinVar contains an entry for this variant (Variation ID: 2038856). Invitae Evidence Modeling of protein sequence and biophysical properties (such as structural, functional, and spatial information, amino acid conservation, physicochemical variation, residue mobility, and thermodynamic stability) indicates that this missense variant is not expected to disrupt APC protein function with a negative predictive value of 95%. In summary, the available evidence is currently insufficient to determine the role of this variant in disease. Therefore, it has been classified as a Variant of Uncertain Significance.

All of Us Research Program, National Institutes of Health
Classification: Uncertain significance for Classic or attenuated familial adenomatous polyposis. Last evaluated: 2024-03-05. Review status: criteria provided, single submitter. Criteria: ACMG Guidelines, 2015. Collection method: clinical testing. Allele origin: germline. Inheritance: Autosomal dominant inheritance. Observed: 1 variant allele, 1 heterozygote.
Comment: This missense variant replaces arginine with glycine at codon 850 of the APC protein. Computational prediction suggests that this variant may not impact protein structure and function (internally defined REVEL score threshold <= 0.5, PMID: 27666373). To our knowledge, functional studies have not been reported for this variant. This variant has not been reported in individuals affected with hereditary cancer in the literature. This variant has been identified in 1/251160 chromosomes in the general population by the Genome Aggregation Database (gnomAD). The available evidence is insufficient to determine the role of this variant in disease conclusively. Therefore, this variant is classified as a Variant of Uncertain Significance.

This study involves interpretation of variants in research participants for the purpose of population health screening. Participant phenotype was not available at the time of variant classification. Additional details can be found in publication PMID: 35346344, PMCID: PMC8962531

NM_000038.6(APC):c.2548A>G (p.Arg850Gly)

Gene: APC (APC regulator of Wnt signaling pathway; plus strand). Cytogenetic location: 5q22.2.
Variant type: single nucleotide variant.
Coding change: c.2548A>G on transcript NM_000038.6 (MANE Select); coding-DNA position 2548, A replaced by G.
Protein change: p.Arg850Gly; replaces arginine 850 with glycine.
Molecular consequence: missense variant.
Genome position (GRCh38, 1-based): chr5:112,838,142, A>G. VCF-style: chr5-112838142-A-G. GRCh37 (hg19) VCF-style: chr5-112173839-A-G.
Other names: c.2275A>G, p.Arg759Gly (NM_001354902.2); c.2245A>G, p.Arg749Gly (NM_001354903.2, NM_001407458.1, NM_001407459.1 and 1 more transcripts); c.2170A>G, p.Arg724Gly (NM_001354904.2); c.2068A>G, p.Arg690Gly (NM_001354905.2); c.1699A>G, p.Arg567Gly (NM_001354906.2, NM_001407470.1); c.2632A>G, p.Arg878Gly (NM_001407446.1); c.2602A>G, p.Arg868Gly (NM_001407447.1, NM_001407448.1, NM_001407449.1 and 1 more transcripts); c.2548A>G, p.Arg850Gly (NM_001407450.1, NM_001127510.3, NM_001354895.2); and 12 more; short protein forms R466G, R749G, R791G, R809G, R825G, R868G, R878G, R721G.
Identifiers: ClinVar variation 2038856 (VCV002038856.9), dbSNP rs1176934059, ClinGen allele CA16026913.